The following is an entry in ClinVar:

NM_000368.5(TSC1):c.484T>C (p.Ser162Pro)

Gene: TSC1 (TSC complex subunit 1; minus strand). Cytogenetic location: 9q34.13.
Variant type: single nucleotide variant.
Coding change: c.484T>C on transcript NM_000368.5 (MANE Select); coding-DNA position 484, T replaced by C.
Protein change: p.Ser162Pro; replaces serine 162 with proline.
Molecular consequence: missense variant.
Genome position (GRCh38, 1-based): chr9:132,923,372, A>G on the plus strand (T>C on the coding strand, the complement: TSC1 is on the minus strand). VCF-style: chr9-132923372-A-G. GRCh37 (hg19) VCF-style: chr9-135798759-A-G.
Other names: c.484T>C, p.Ser162Pro (NM_001162426.2); c.331T>C, p.Ser111Pro (NM_001162427.2); c.121T>C, p.Ser41Pro (NM_001362177.2); short protein forms S162P, S41P, S111P.
Identifiers: ClinVar variation 411239 (VCV000411239.8), dbSNP rs1060503205, ClinGen allele CA16612499.

ClinVar aggregate classification (germline): Uncertain significance (1 of 4 stars; one submission).

Conditions:
Tuberous sclerosis 1 (TSC1). Identifiers: Orphanet 805, MedGen C1854465, MONDO:0008612, OMIM 191100.

Submission:

Labcorp Genetics (formerly Invitae), Labcorp
Classification: Uncertain significance for Tuberous sclerosis 1. Last evaluated: 2016-09-13. Review status: criteria provided, single submitter. Criteria: Invitae Variant Classification Sherloc (09022015). Collection method: clinical testing. Allele origin: germline.
Comment: In summary, this variant is a novel missense change with uncertain impact on protein function. It has been classified as a Variant of Uncertain Significance. Algorithms developed to predict the effect of missense changes on protein structure and function do not agree on the potential impact of this missense change (SIFT: "Deleterious"; PolyPhen-2: "Probably Damaging"; Align-GVGD: "Class C0"). This variant is not present in population databases (ExAC no frequency) and has not been reported in the literature in individuals with a TSC1-related disease. This sequence change replaces serine with proline at codon 162 of the TSC1 protein (p.Ser162Pro). The serine residue is moderately conserved and there is a moderate physicochemical difference between serine and proline.